The following is an entry in ClinVar:

NM_002972.4(SBF1):c.5043+4C>T

Gene: SBF1 (SET binding factor 1; minus strand). Cytogenetic location: 22q13.33.
Variant type: single nucleotide variant.
Coding change: c.5043+4C>T on transcript NM_002972.4 (MANE Select); 4 bases into the intron after coding-DNA position 5043, C replaced by T.
Molecular consequence: intron variant.
Genome position (GRCh38, 1-based): chr22:50,454,508, G>A on the plus strand (C>T on the coding strand, the complement: SBF1 is on the minus strand). VCF-style: chr22-50454508-G-A. GRCh37 (hg19) VCF-style: chr22-50892937-G-A.
Other names: c.4968+4C>T (NM_001365819.1); c.5043+4C>T (NM_002972.3).
Identifiers: ClinVar variation 1449012 (VCV001449012.8), dbSNP rs373050155, ClinGen allele CA10316039.

ClinVar aggregate classification (germline): Uncertain significance. Review status: criteria provided, single submitter (1 of 4 stars). 2 submissions from 2 submitters: Uncertain significance (1). 1 of the submissions does not count toward it. Last evaluated 2024-06-06.

Conditions:
SBF1-related disorder. Also called: SBF1-related condition.

Allele frequency attached by ClinVar (database versions not stated): 1000 Genomes Project 30x 0.00047; 1000 Genomes Project 0.00060; TOPMed below 0.00001; gnomAD 0.00002; gnomAD exomes 0.00002 and 0.00003; ExAC 0.00005.

Submissions (2):

Labcorp Genetics (formerly Invitae), Labcorp
Classification: Uncertain significance. Last evaluated: 2024-06-06. Review status: criteria provided, single submitter. Criteria: Invitae Variant Classification Sherloc (09022015). Collection method: clinical testing. Allele origin: germline.
Comment: This sequence change falls in intron 36 of the SBF1 gene. It does not directly change the encoded amino acid sequence of the SBF1 protein. It affects a nucleotide within the consensus splice site. This variant is present in population databases (rs373050155, gnomAD 0.02%). This variant has not been reported in the literature in individuals affected with SBF1-related conditions. ClinVar contains an entry for this variant (Variation ID: 1449012). Variants that disrupt the consensus splice site are a relatively common cause of aberrant splicing (PMID: 17576681, 9536098). Algorithms developed to predict the effect of sequence changes on RNA splicing suggest that this variant is not likely to affect RNA splicing. In summary, the available evidence is currently insufficient to determine the role of this variant in disease. Therefore, it has been classified as a Variant of Uncertain Significance.

PreventionGenetics, part of Exact Sciences
Classification: Likely benign for SBF1-related condition. Last evaluated: 2023-10-26. Review status: no assertion criteria provided. Collection method: clinical testing. Allele origin: germline. Not counted in ClinVar's aggregate classification.
Comment: This variant is classified as likely benign based on ACMG/AMP sequence variant interpretation guidelines (Richards et al. 2015 PMID: 25741868, with internal and published modifications).

Literature cited by the submitters: PubMed 17576681 (cited by Labcorp Genetics (formerly Invitae), Labcorp); PubMed 9536098 (cited by Labcorp Genetics (formerly Invitae), Labcorp).